The following is an entry in ClinVar:

NM_015450.3(POT1):c.1583C>T (p.Ser528Phe)

Gene: POT1 (protection of telomeres 1; minus strand). Cytogenetic location: 7q31.33.
Variant type: single nucleotide variant.
Coding change: c.1583C>T on transcript NM_015450.3 (MANE Select); coding-DNA position 1583, C replaced by T.
Protein change: p.Ser528Phe; replaces serine 528 with phenylalanine.
Molecular consequence: missense variant. On other transcripts: non-coding transcript variant (2).
Genome position (GRCh38, 1-based): chr7:124,829,265, G>A on the plus strand (C>T on the coding strand, the complement: POT1 is on the minus strand). VCF-style: chr7-124829265-G-A. GRCh37 (hg19) VCF-style: chr7-124469319-G-A.
Other names: c.1190C>T, p.Ser397Phe (NM_001042594.2); short protein forms S397F, S528F.
Identifiers: ClinVar variation 3662218 (VCV003662218.2).

ClinVar aggregate classification (germline): Uncertain significance (1 of 4 stars; one submission).

Conditions:
Tumor predisposition syndrome 3 (TPDS3). Also called: Melanoma, cutaneous malignant, susceptibility to, 10; Glioma susceptibility 9; LONG TELOMERE SYNDROME, POT1-RELATED; POT1 Tumor Predisposition. Identifiers: Orphanet 618, MedGen C4014476, MONDO:0014368, OMIM 615848.

Submission:

Labcorp Genetics (formerly Invitae), Labcorp
Classification: Uncertain significance for Tumor predisposition syndrome 3. Last evaluated: 2024-08-13. Review status: criteria provided, single submitter. Criteria: Invitae Variant Classification Sherloc (09022015). Collection method: clinical testing. Allele origin: germline.
Comment: This sequence change replaces serine, which is neutral and polar, with phenylalanine, which is neutral and non-polar, at codon 528 of the POT1 protein (p.Ser528Phe). This variant is not present in population databases (gnomAD no frequency). This variant has not been reported in the literature in individuals affected with POT1-related conditions. Advanced modeling of protein sequence and biophysical properties (such as structural, functional, and spatial information, amino acid conservation, physicochemical variation, residue mobility, and thermodynamic stability) performed at Invitae indicates that this missense variant is not expected to disrupt POT1 protein function with a negative predictive value of 80%. Algorithms developed to predict the effect of sequence changes on RNA splicing suggest that this variant may disrupt the consensus splice site. In summary, the available evidence is currently insufficient to determine the role of this variant in disease. Therefore, it has been classified as a Variant of Uncertain Significance.